The following is an entry in ClinVar:

ClinVar aggregate classification (germline): Likely benign (0 of 4 stars; one submission).

Conditions:
TMEM230-related disorder. Also called: TMEM230-related condition.

Submission:

PreventionGenetics, part of Exact Sciences
Classification: Likely benign for TMEM230-related condition. Last evaluated: 2020-12-29. Review status: no assertion criteria provided. Collection method: clinical testing. Allele origin: germline.
Comment: This variant is classified as likely benign based on ACMG/AMP sequence variant interpretation guidelines (Richards et al. 2015 PMID: 25741868, with internal and published modifications).

NM_001009925.2(TMEM230):c.-16+1348_-16+1353dup

Gene: TMEM230 (transmembrane protein 230; minus strand). Cytogenetic location: 20p12.3.
Variant type: Duplication.
Coding change: c.-16+1348_-16+1353dup on transcript NM_001009925.2 (MANE Select); bases 1348 to 1353 of the intron after 16 bases upstream of the start codon, 6 bases duplicated (TTTTTT; older notation c.-16+1348_-16+1353dupTTTTTT).
Molecular consequence: intron variant.
Genome position (GRCh38, 1-based): chr20:5,111,608-5,111,613, AAAAAA duplicated on the plus strand (TTTTTT on the coding strand, the reverse complement: TMEM230 is on the minus strand); duplicating any 6 consecutive bases within chr20:5,111,608-5,111,647 gives the same sequence; the c. name uses the placement nearest the transcript's 3' end. VCF-style (leftmost placement, unchanged base first): chr20-5111607-T-TAAAAAA. GRCh37 (hg19) VCF-style: chr20-5092253-T-TAAAAAA.
Other names: NM_001009923.1:c.69-8_69-3dup6; c.-16+1348_-16+1353dup (NM_001330987.2); c.-121-8_-121-3dup (NM_001423980.1, NM_001009924.2); c.-16+1130_-16+1135dup (NM_001330986.2); c.-16+1117_-16+1122dup (NM_014145.5); c.-16+151_-16+156dup (NM_001330984.2); c.-16+1107_-16+1112dup (NM_001330985.2).
Identifiers: ClinVar variation 3030938 (VCV003030938.2), dbSNP rs758119588, ClinGen allele CA745291811.